The following is an entry in ClinVar:

NM_004260.4(RECQL4):c.657_659del (p.Leu220del)

Gene: RECQL4 (RecQ like helicase 4; minus strand). Cytogenetic location: 8q24.3.
Variant type: Deletion.
Coding change: c.657_659del on transcript NM_004260.4 (MANE Select); coding-DNA positions 657 to 659, 3 bases deleted (TCT; older notation c.657_659delTCT).
Protein change: p.Leu220del; deletes leucine 220.
Molecular consequence: inframe deletion.
Genome position (GRCh38, 1-based): chr8:144,516,460-144,516,462, AGA deleted on the plus strand (TCT on the coding strand, the reverse complement: RECQL4 is on the minus strand); deleting any 3 consecutive bases within chr8:144,516,460-144,516,464 gives the same sequence; the c. name uses the placement nearest the transcript's 3' end. VCF-style (leftmost placement, unchanged base first): chr8-144516459-CAGA-C. GRCh37 (hg19) VCF-style: chr8-145741843-CAGA-C.
Other names: short protein forms L220del.
Identifiers: ClinVar variation 1386818 (VCV001386818.6), dbSNP rs2130724840, ClinGen allele CA2573142941.

ClinVar aggregate classification (germline): Uncertain significance (1 of 4 stars; one submission).

Conditions:
Baller-Gerold syndrome (BGS). Also called: CRANIOSYNOSTOSIS WITH RADIAL DEFECTS. Identifiers: Orphanet 1225, MedGen C0265308, MONDO:0009039, OMIM 218600.

Submission:

Labcorp Genetics (formerly Invitae), Labcorp
Classification: Uncertain significance for Baller-Gerold syndrome. Last evaluated: 2022-04-12. Review status: criteria provided, single submitter. Criteria: Invitae Variant Classification Sherloc (09022015). Collection method: clinical testing. Allele origin: germline.
Comment: This variant, c.657_659del, results in the deletion of 1 amino acid(s) of the RECQL4 protein (p.Leu220del), but otherwise preserves the integrity of the reading frame. This variant is not present in population databases (gnomAD no frequency). This variant has not been reported in the literature in individuals affected with RECQL4-related conditions. Experimental studies and prediction algorithms are not available or were not evaluated, and the functional significance of this variant is currently unknown. In summary, the available evidence is currently insufficient to determine the role of this variant in disease. Therefore, it has been classified as a Variant of Uncertain Significance.